The following is an entry in ClinVar:

ClinVar aggregate classification (germline): Uncertain significance. Review status: criteria provided, multiple submitters, no conflicts (2 of 4 stars). 2 submissions from 2 submitters: Uncertain significance (2). Last evaluated 2023-06-20.

Conditions:
Hirschsprung disease, susceptibility to, 1 (HSCR1). Also called: RET-Related Hirschsprung Disease. Identifiers: Orphanet 388, MedGen C3888239, MONDO:0007723, OMIM 142623.
Multiple endocrine neoplasia, type 2 (MEN2). Identifiers: Orphanet 653, MedGen C4048306, MONDO:0019003. Disease mechanism: gain of function.

Submissions (2):

Baylor Genetics
Classification: Uncertain significance for Hirschsprung disease, susceptibility to, 1. Last evaluated: 2023-06-20. Review status: criteria provided, single submitter. Criteria: ACMG Guidelines, 2015. Collection method: clinical testing. Allele origin: unknown.

Labcorp Genetics (formerly Invitae), Labcorp
Classification: Uncertain significance for Multiple endocrine neoplasia, type 2. Last evaluated: 2021-10-19. Review status: criteria provided, single submitter. Criteria: Invitae Variant Classification Sherloc (09022015). Collection method: clinical testing. Allele origin: germline.
Comment: In summary, the available evidence is currently insufficient to determine the role of this variant in disease. Therefore, it has been classified as a Variant of Uncertain Significance. Algorithms developed to predict the effect of missense changes on protein structure and function (SIFT, PolyPhen-2, Align-GVGD) all suggest that this variant is likely to be tolerated. This variant has not been reported in the literature in individuals affected with RET-related conditions. This variant is not present in population databases (ExAC no frequency). This sequence change replaces lysine with threonine at codon 471 of the RET protein (p.Lys471Thr). The lysine residue is weakly conserved and there is a moderate physicochemical difference between lysine and threonine.

NM_020975.6(RET):c.1412A>C (p.Lys471Thr)

Gene: RET (ret proto-oncogene; plus strand). Cytogenetic location: 10q11.21.
Variant type: single nucleotide variant.
Coding change: c.1412A>C on transcript NM_020975.6 (MANE Select); coding-DNA position 1412, A replaced by C.
Protein change: p.Lys471Thr; replaces lysine 471 with threonine.
Molecular consequence: missense variant.
Genome position (GRCh38, 1-based): chr10:43,111,355, A>C. VCF-style: chr10-43111355-A-C. GRCh37 (hg19) VCF-style: chr10-43606803-A-C.
Other names: c.1412A>C, p.Lys471Thr (NM_000323.2, NM_001406743.1, NM_001406744.1 and 6 more transcripts); c.650A>C, p.Lys217Thr (NM_001355216.2); c.1283A>C, p.Lys428Thr (NM_001406761.1, NM_001406762.1, NM_001406764.1 and 1 more transcripts); c.1124A>C, p.Lys375Thr (NM_001406766.1, NM_001406767.1, NM_001406770.1); c.1016A>C, p.Lys339Thr (NM_001406769.1, NM_001406772.1); c.974A>C, p.Lys325Thr (NM_001406771.1, NM_001406773.1); c.887A>C, p.Lys296Thr (NM_001406774.1); c.686A>C, p.Lys229Thr (NM_001406775.1, NM_001406776.1, NM_001406777.1 and 1 more transcripts); and 1 more; short protein forms K217T, K471T, K325T, K375T, K428T, K229T, K296T, K141T.
Identifiers: ClinVar variation 1461344 (VCV001461344.8), dbSNP rs2132771245, ClinGen allele CA376549485.
Genomic context (GRCh38, chr10:43,111,355, plus strand): 5'-CGCTAGGGGTGGTCACCTCAGCCGAGGACACCTCGGGGATCCTGTTTGTGAATGACACCA[A>C]GGCCCTGCGGCGGCCCAAGTGTGCCGAACTTCACTACATGGTGGTGGCCACCGACCAGCA-3'
Protein context (NP_066124.1, residues 461-481): TSGILFVNDT[Lys471Thr]ALRRPKCAEL